The following is an entry in ClinVar:

NM_001927.4(DES):c.816C>T (p.Ala272=)

Gene: DES (desmin; plus strand). Cytogenetic location: 2q35.
Variant type: single nucleotide variant.
Coding change: c.816C>T on transcript NM_001927.4 (MANE Select); coding-DNA position 816, C replaced by T.
Protein change: p.Ala272=; no amino-acid change (alanine 272 retained).
Molecular consequence: synonymous variant.
Genome position (GRCh38, 1-based): chr2:219,420,575, C>T. VCF-style: chr2-219420575-C-T. GRCh37 (hg19) VCF-style: chr2-220285297-C-T.
Other names: c.816C>T (LRG_380t1).
Identifiers: ClinVar variation 384445 (VCV000384445.13), dbSNP rs759823001, ClinGen allele CA2125157.

ClinVar aggregate classification (germline): Likely benign. Review status: criteria provided, multiple submitters, no conflicts (2 of 4 stars). 4 submissions from 4 submitters: Likely benign (4). Last evaluated 2025-11-27.

Conditions:
Cardiomyopathy (CMYO). Also called: Cardiomyopathies. Identifiers: Orphanet 167848, MedGen C0878544, MONDO:0004994, HP:0001638. Inheritance: Various modes of inheritance.
Cardiovascular phenotype. Identifiers: MedGen CN230736.
Desmin-related myofibrillar myopathy (MFM1). Also called: MYOFIBRILLAR MYOPATHY WITH ARRHYTHMOGENIC RIGHT VENTRICULAR CARDIOMYOPATHY; DESMIN-RELATED MYOPATHY WITH ARRHYTHMOGENIC RIGHT VENTRICULAR CARDIOMYOPATHY; Myofibrillar myopathy 1; Desminopathy; Desmin related myopathy (former name); Desmin storage myopathy (former name). Identifiers: Orphanet 363543, Orphanet 98909, MedGen C1832370, MONDO:0011076, OMIM 601419.

Allele frequency attached by ClinVar (database versions not stated): gnomAD exomes below 0.00001 and 0.00001; ExAC 0.00001; gnomAD 0.00001; TOPMed 0.00001.
gnomAD v4.1: 12 of 1,613,938 alleles (0.00074%); highest among the groups gnomAD compares: African/African-American, 0.0027%; no homozygotes.

Submissions (4):

Labcorp Genetics (formerly Invitae), Labcorp
Classification: Likely benign for Desmin-related myofibrillar myopathy. Last evaluated: 2025-11-27. Review status: criteria provided, single submitter. Criteria: Invitae Variant Classification Sherloc (09022015). Collection method: clinical testing. Allele origin: germline.

Ambry Genetics
Classification: Likely benign for Cardiovascular phenotype. Last evaluated: 2020-11-25. Review status: criteria provided, single submitter. Criteria: Ambry Variant Classification Scheme 2023. Collection method: clinical testing. Allele origin: germline.

CHEO Genetics Diagnostic Laboratory, Children's Hospital of Eastern Ontario
Classification: Likely benign for Cardiomyopathy. Last evaluated: 2017-08-15. Review status: criteria provided, single submitter. Criteria: ACMG Guidelines, 2015. Collection method: clinical testing. Allele origin: germline. Study: Canadian Open Genetics Repository.

GeneDx
Classification: Likely benign. Last evaluated: 2016-03-02. Review status: criteria provided, single submitter. Criteria: GeneDx Variant Classification (06012015). Collection method: clinical testing. Allele origin: germline. Affected: yes.
Comment: This variant is considered likely benign or benign based on one or more of the following criteria: it is a conservative change, it occurs at a poorly conserved position in the protein, it is predicted to be benign by multiple in silico algorithms, and/or has population frequency not consistent with disease.